The following is an entry in ClinVar:

NM_004621.6(TRPC6):c.1612G>A (p.Ala538Thr)

Gene: TRPC6 (transient receptor potential cation channel subfamily C member 6; minus strand). Cytogenetic location: 11q22.1.
Variant type: single nucleotide variant.
Coding change: c.1612G>A on transcript NM_004621.6 (MANE Select); coding-DNA position 1612, G replaced by A.
Protein change: p.Ala538Thr; replaces alanine 538 with threonine.
Molecular consequence: missense variant.
Genome position (GRCh38, 1-based): chr11:101,476,433, C>T on the plus strand (G>A on the coding strand, the complement: TRPC6 is on the minus strand). VCF-style: chr11-101476433-C-T. GRCh37 (hg19) VCF-style: chr11-101347164-C-T.
Other names: short protein forms A538T.
Identifiers: ClinVar variation 879065 (VCV000879065.8), dbSNP rs753943966, ClinGen allele CA6244295.

ClinVar aggregate classification (germline): Uncertain significance. Review status: criteria provided, multiple submitters, no conflicts (2 of 4 stars). 4 submissions from 4 submitters: Uncertain significance (4). Last evaluated 2026-01-28.

Conditions:
Inborn genetic diseases. Identifiers: MedGen C0950123, MeSH D030342.
Focal segmental glomerulosclerosis 2 (FSGS2). Identifiers: Orphanet 656, MedGen C1858915, MONDO:0011390, OMIM 603965.

Allele frequency attached by ClinVar (database versions not stated): ExAC 0.00001; gnomAD exomes 0.00003; gnomAD 0.00004 and 0.00005; TOPMed 0.00004.
gnomAD v4.1: 49 of 1,613,910 alleles (0.003%); highest among the groups gnomAD compares: Middle Eastern, 0.016%; no homozygotes.

Submissions (4):

Labcorp Genetics (formerly Invitae), Labcorp
Classification: Uncertain significance. Last evaluated: 2026-01-28. Review status: criteria provided, single submitter. Criteria: Invitae Variant Classification Sherloc (09022015). Collection method: clinical testing. Allele origin: germline.
Comment: This sequence change replaces alanine, which is neutral and non-polar, with threonine, which is neutral and polar, at codon 538 of the TRPC6 protein (p.Ala538Thr). This variant is present in population databases (rs753943966, gnomAD 0.009%). This variant has not been reported in the literature in individuals affected with TRPC6-related conditions. ClinVar contains an entry for this variant (Variation ID: 879065). Invitae Evidence Modeling of protein sequence and biophysical properties (such as structural, functional, and spatial information, amino acid conservation, physicochemical variation, residue mobility, and thermodynamic stability) indicates that this missense variant is not expected to disrupt TRPC6 protein function with a negative predictive value of 95%. In summary, the available evidence is currently insufficient to determine the role of this variant in disease. Therefore, it has been classified as a Variant of Uncertain Significance.

Fulgent Genetics
Classification: Uncertain significance for Focal segmental glomerulosclerosis 2. Last evaluated: 2023-12-29. Review status: criteria provided, single submitter. Criteria: ACMG Guidelines, 2015. Collection method: clinical testing. Allele origin: germline.

Ambry Genetics
Classification: Uncertain significance for Inborn genetic diseases. Last evaluated: 2022-11-19. Review status: criteria provided, single submitter. Criteria: Ambry Variant Classification Scheme 2023. Collection method: clinical testing. Allele origin: germline.

Illumina Laboratory Services, Illumina
Classification: Uncertain significance for Focal segmental glomerulosclerosis 2. Last evaluated: 2018-01-12. Review status: criteria provided, single submitter. Criteria: ICSL Variant Classification Criteria 13 December 2019. Collection method: clinical testing. Allele origin: germline.